The following is an entry in ClinVar:

NM_198525.3(KIF7):c.2456A>C (p.Lys819Thr)

Gene: KIF7 (kinesin family member 7; minus strand). Cytogenetic location: 15q26.1.
Variant type: single nucleotide variant.
Coding change: c.2456A>C on transcript NM_198525.3 (MANE Select); coding-DNA position 2456, A replaced by C.
Protein change: p.Lys819Thr; replaces lysine 819 with threonine.
Molecular consequence: missense variant.
Genome position (GRCh38, 1-based): chr15:89,633,822, T>G on the plus strand (A>C on the coding strand, the complement: KIF7 is on the minus strand). VCF-style: chr15-89633822-T-G. GRCh37 (hg19) VCF-style: chr15-90177053-T-G.
Other names: short protein forms K819T.
Identifiers: ClinVar variation 499469 (VCV000499469.11), dbSNP rs374111371, ClinGen allele CA7728149.

ClinVar aggregate classification (germline): Uncertain significance. Review status: criteria provided, multiple submitters, no conflicts (2 of 4 stars). 3 submissions from 3 submitters: Uncertain significance (3). Last evaluated 2023-12-27.

Conditions:
Acrocallosal syndrome (ACLS). Also called: HALLUX DUPLICATION, POSTAXIAL POLYDACTYLY, AND ABSENCE OF CORPUS CALLOSUM; Schinzel syndrome 1; Absence of corpus callosum with unusual facial appearance, mental deficiency, duplication of the halluces and polydactyly. Identifiers: Orphanet 36, MedGen C0796147, MONDO:0008708, OMIM 200990.
Multiple epiphyseal dysplasia, Al-Gazali type. Also called: Macrocephaly with multiple epiphyseal dysplasia and distinctive facies. Identifiers: Orphanet 166024, MedGen C1846722, MONDO:0011778, OMIM 607131.
Hydrolethalus syndrome 2 (HLS2). Identifiers: Orphanet 2189, MedGen C3279899, MONDO:0013585, OMIM 614120.

Allele frequency attached by ClinVar (database versions not stated): gnomAD exomes below 0.00001; TOPMed below 0.00001; gnomAD 0.00001; ExAC 0.00002; ESP Exome Variant Server 0.00008.
gnomAD v4.1: 6 of 1,613,208 alleles (0.00037%); highest among the groups gnomAD compares: Non-Finnish European, 0.00051%; no homozygotes.

Submissions (3):

Fulgent Genetics
Classification: Uncertain significance for Acrocallosal syndrome; Multiple epiphyseal dysplasia, Al-Gazali type; Hydrolethalus syndrome 2. Last evaluated: 2023-12-27. Review status: criteria provided, single submitter. Criteria: ACMG Guidelines, 2015. Collection method: clinical testing. Allele origin: germline.

Labcorp Genetics (formerly Invitae), Labcorp
Classification: Uncertain significance for Acrocallosal syndrome. Last evaluated: 2021-11-17. Review status: criteria provided, single submitter. Criteria: Invitae Variant Classification Sherloc (09022015). Collection method: clinical testing. Allele origin: germline.
Comment: This sequence change replaces lysine, which is basic and polar, with threonine, which is neutral and polar, at codon 819 of the KIF7 protein (p.Lys819Thr). This variant is present in population databases (rs374111371, gnomAD 0.002%). This variant has not been reported in the literature in individuals affected with KIF7-related conditions. ClinVar contains an entry for this variant (Variation ID: 499469). Algorithms developed to predict the effect of missense changes on protein structure and function output the following: SIFT: "Tolerated"; PolyPhen-2: "Benign"; Align-GVGD: "Class C0". The threonine amino acid residue is found in multiple mammalian species, which suggests that this missense change does not adversely affect protein function. In summary, the available evidence is currently insufficient to determine the role of this variant in disease. Therefore, it has been classified as a Variant of Uncertain Significance.

Eurofins Ntd Llc (ga)
Classification: Uncertain significance. Last evaluated: 2017-01-18. Review status: criteria provided, single submitter. Criteria: EGL Classification Definitions 2015. Collection method: clinical testing. Allele origin: germline. Observed: 1 variant allele, 1 heterozygote.